The following is an entry in ClinVar:

NM_198282.4(STING1):c.946+6G>C

Gene: STING1 (stimulator of interferon response cGAMP interactor 1; minus strand). Cytogenetic location: 5q31.2.
Variant type: single nucleotide variant.
Coding change: c.946+6G>C on transcript NM_198282.4 (MANE Select); 6 bases into the intron after coding-DNA position 946, G replaced by C.
Molecular consequence: intron variant.
Genome position (GRCh38, 1-based): chr5:139,477,323, C>G on the plus strand (G>C on the coding strand, the complement: STING1 is on the minus strand). VCF-style: chr5-139477323-C-G. GRCh37 (hg19) VCF-style: chr5-138856908-C-G.
Other names: c.589+6G>C (NM_001367258.1); c.760-869G>C (NM_001301738.2).
Identifiers: ClinVar variation 2134492 (VCV002134492.4), dbSNP rs768799195, ClinGen allele CA2580072943.

ClinVar aggregate classification (germline): Uncertain significance (1 of 4 stars; one submission).

Conditions:
STING-associated vasculopathy with onset in infancy. Also called: Sting-associated vasculopathy, infantile-onset. Identifiers: Orphanet 425120, MedGen C4014722, MONDO:0014405, OMIM 615934.

Submission:

Labcorp Genetics (formerly Invitae), Labcorp
Classification: Uncertain significance for STING-associated vasculopathy with onset in infancy. Last evaluated: 2022-06-01. Review status: criteria provided, single submitter. Criteria: Invitae Variant Classification Sherloc (09022015). Collection method: clinical testing. Allele origin: germline.
Comment: This sequence change falls in intron 7 of the TMEM173 gene. It does not directly change the encoded amino acid sequence of the TMEM173 protein. It affects a nucleotide within the consensus splice site. This variant is not present in population databases (gnomAD no frequency). This variant has not been reported in the literature in individuals affected with TMEM173-related conditions. Variants that disrupt the consensus splice site are a relatively common cause of aberrant splicing (PMID: 17576681, 9536098). Algorithms developed to predict the effect of sequence changes on RNA splicing suggest that this variant is not likely to affect RNA splicing. In summary, the available evidence is currently insufficient to determine the role of this variant in disease. Therefore, it has been classified as a Variant of Uncertain Significance.

Literature cited by the submitters: PubMed 17576681; PubMed 9536098.